The following is an entry in ClinVar:

NM_002241.5(KCNJ10):c.68del (p.Pro23fs)

Gene: KCNJ10 (potassium inwardly rectifying channel subfamily J member 10; minus strand). Cytogenetic location: 1q23.2.
Variant type: Deletion.
Coding change: c.68del on transcript NM_002241.5 (MANE Select); coding-DNA position 68, one base deleted (C; older notation c.68delC).
Protein change: p.Pro23fs; shifts the reading frame from proline 23.
Molecular consequence: frameshift variant.
Genome position (GRCh38, 1-based): chr1:160,042,465, G deleted on the plus strand (C on the coding strand, the reverse complement: KCNJ10 is on the minus strand); the first of 3 consecutive G bases (chr1:160,042,465-160,042,467); deleting any one gives the same sequence. VCF-style (leftmost placement, unchanged base first): chr1-160042464-TG-T. GRCh37 (hg19) VCF-style: chr1-160012254-TG-T.
Other names: short protein forms P23fs.
Identifiers: ClinVar variation 3667559 (VCV003667559.2).
Genomic context (GRCh38, chr1:160,042,464, plus strand): 5'-GTGCTCCATTCTCACGTTGCTGCGACCATCTTTTGTCAGGACTCTCCGCCGTCGTATCCC[TG>T]GGCCCATTAGGGGCCGGCTTTCTGTCTGAGTGGTCTGACTGTAATACACCTTGGCAACTG-3'

ClinVar aggregate classification (germline): Pathogenic (1 of 4 stars; one submission).

Conditions:
EAST syndrome (SESAMES). Also called: SEIZURES, SENSORINEURAL DEAFNESS, ATAXIA, IMPAIRED INTELLECTUAL DEVELOPMENT, AND ELECTROLYTE IMBALANCE. Identifiers: Orphanet 199343, MedGen C2748572, MONDO:0013005, OMIM 612780.

Submission:

Labcorp Genetics (formerly Invitae), Labcorp
Classification: Pathogenic for EAST syndrome. Last evaluated: 2024-10-22. Review status: criteria provided, single submitter. Criteria: Invitae Variant Classification Sherloc (09022015). Collection method: clinical testing. Allele origin: germline.
Comment: This sequence change creates a premature translational stop signal (p.Pro23Glnfs*9) in the KCNJ10 gene. While this is not anticipated to result in nonsense mediated decay, it is expected to disrupt the last 357 amino acid(s) of the KCNJ10 protein. This variant is not present in population databases (gnomAD no frequency). This variant has not been reported in the literature in individuals affected with KCNJ10-related conditions. This variant disrupts a region of the KCNJ10 protein in which other variant(s) (p.Arg297Cys) have been determined to be pathogenic (PMID: 19289823, 20678478, 20807765, 21088294, 21849804). This suggests that this is a clinically significant region of the protein, and that variants that disrupt it are likely to be disease-causing. For these reasons, this variant has been classified as Pathogenic.

Literature cited by the submitters: PubMed 19289823; PubMed 20678478; PubMed 20807765; PubMed 21088294; PubMed 21849804.